The following is an entry in ClinVar:

NM_000368.5(TSC1):c.2657A>G (p.Lys886Arg)

Gene: TSC1 (TSC complex subunit 1; minus strand). Cytogenetic location: 9q34.13.
Variant type: single nucleotide variant.
Coding change: c.2657A>G on transcript NM_000368.5 (MANE Select); coding-DNA position 2657, A replaced by G.
Protein change: p.Lys886Arg; replaces lysine 886 with arginine.
Molecular consequence: missense variant. On other transcripts: non-coding transcript variant (5).
Genome position (GRCh38, 1-based): chr9:132,897,579, T>C on the plus strand (A>G on the coding strand, the complement: TSC1 is on the minus strand). VCF-style: chr9-132897579-T-C. GRCh37 (hg19) VCF-style: chr9-135772966-T-C.
Other names: c.2639A>G, p.Lys880Arg (NM_001406603.1, NM_001406604.1); c.2615A>G, p.Lys872Arg (NM_001406605.1, NM_001406606.1, NM_001406607.1); c.2612A>G, p.Lys871Arg (NM_001406608.1, NM_001406609.1); c.2504A>G, p.Lys835Arg (NM_001406610.1, NM_001162427.2); c.2501A>G, p.Lys834Arg (NM_001406611.1, NM_001406612.1); c.2654A>G, p.Lys885Arg (NM_001162426.2, NM_001406597.1, NM_001406598.1 and 2 more transcripts); c.2294A>G, p.Lys765Arg (NM_001362177.2, NM_001406614.1, NM_001406615.1 and 4 more transcripts); c.2657A>G, p.Lys886Arg (NM_001406592.1, NM_001406593.1, NM_001406594.1 and 2 more transcripts); and 8 more; short protein forms K535R, K569R, K765R, K886R, K872R, K880R, K885R, K750R.
Identifiers: ClinVar variation 3720847 (VCV003720847.2).

ClinVar aggregate classification (germline): Uncertain significance (1 of 4 stars; one submission).

Conditions:
Tuberous sclerosis 1 (TSC1). Identifiers: Orphanet 805, MedGen C1854465, MONDO:0008612, OMIM 191100.

Submission:

Labcorp Genetics (formerly Invitae), Labcorp
Classification: Uncertain significance for Tuberous sclerosis 1. Last evaluated: 2024-10-17. Review status: criteria provided, single submitter. Criteria: Invitae Variant Classification Sherloc (09022015). Collection method: clinical testing. Allele origin: germline.
Comment: This sequence change replaces lysine, which is basic and polar, with arginine, which is basic and polar, at codon 886 of the TSC1 protein (p.Lys886Arg). This variant is not present in population databases (gnomAD no frequency). This variant has not been reported in the literature in individuals affected with TSC1-related conditions. Invitae Evidence Modeling of protein sequence and biophysical properties (such as structural, functional, and spatial information, amino acid conservation, physicochemical variation, residue mobility, and thermodynamic stability) indicates that this missense variant is not expected to disrupt TSC1 protein function with a negative predictive value of 95%. In summary, the available evidence is currently insufficient to determine the role of this variant in disease. Therefore, it has been classified as a Variant of Uncertain Significance.